The following is an entry in ClinVar:

NM_005529.7(HSPG2):c.13096C>T (p.Pro4366Ser)

Genes: HSPG2 (heparan sulfate proteoglycan 2; minus strand), LDLRAD2 (low density lipoprotein receptor class A domain containing 2; plus strand). Cytogenetic location: 1p36.12.
Variant type: single nucleotide variant.
Coding change: c.13096C>T on transcript NM_005529.7 (MANE Select); coding-DNA position 13096, C replaced by T.
Protein change: p.Pro4366Ser; replaces proline 4366 with serine.
Molecular consequence: missense variant. On other transcripts: 3 prime UTR variant (1).
Genome position (GRCh38, 1-based): chr1:21,823,396, G>A on the plus strand (C>T on the coding strand, the complement: HSPG2 is on the minus strand). VCF-style: chr1-21823396-G-A. GRCh37 (hg19) VCF-style: chr1-22149889-G-A.
Other names: c.13099C>T, p.Pro4367Ser (NM_001291860.2); c.*1181G>A (NM_001013693.3); short protein forms P4366S, P4367S.
Identifiers: ClinVar variation 811184 (VCV000811184.13), dbSNP rs771945509, ClinGen allele CA669129.

ClinVar aggregate classification (germline): Uncertain significance. Review status: criteria provided, multiple submitters, no conflicts (2 of 4 stars). 3 submissions from 3 submitters: Uncertain significance (3). Last evaluated 2024-11-11.

Allele frequency attached by ClinVar (database versions not stated): TOPMed 0.00002; gnomAD 0.00004 and 0.00005; gnomAD exomes 0.00008; ExAC 0.00029.
gnomAD v4.1: 52 of 1,564,236 alleles (0.0033%); highest among the groups gnomAD compares: Middle Eastern, 0.12%; no homozygotes.

Submissions (3):

Labcorp Genetics (formerly Invitae), Labcorp
Classification: Uncertain significance. Last evaluated: 2024-11-11. Review status: criteria provided, single submitter. Criteria: Invitae Variant Classification Sherloc (09022015). Collection method: clinical testing. Allele origin: germline.
Comment: This sequence change replaces proline, which is neutral and non-polar, with serine, which is neutral and polar, at codon 4366 of the HSPG2 protein (p.Pro4366Ser). This variant is present in population databases (rs771945509, gnomAD 0.01%). This variant has not been reported in the literature in individuals affected with HSPG2-related conditions. ClinVar contains an entry for this variant (Variation ID: 811184). An algorithm developed to predict the effect of missense changes on protein structure and function (PolyPhen-2) suggests that this variant is likely to be tolerated. In summary, the available evidence is currently insufficient to determine the role of this variant in disease. Therefore, it has been classified as a Variant of Uncertain Significance.

Revvity Omics, Revvity
Classification: Uncertain significance. Last evaluated: 2019-08-27. Review status: criteria provided, single submitter. Criteria: ACMG Guidelines, 2015. Collection method: clinical testing. Allele origin: germline.

ARUP Laboratories, Molecular Genetics and Genomics, ARUP Laboratories
Classification: Uncertain significance. Last evaluated: 2018-11-13. Review status: criteria provided, single submitter. Criteria: ARUP Molecular Germline Variant Investigation Process. Collection method: clinical testing. Allele origin: germline.
Comment: The HSPG2 c.13096C>T; p.Pro4366Ser variant (rs771945509), to our knowledge, is not reported in the medical literature or gene specific databases. This variant is found in the non-Finnish European population with an overall allele frequency of 0.01% (12/86840 alleles) in the Genome Aggregation Database. The proline at codon 4366 is moderately conserved, and computational analyses (SIFT, PolyPhen-2) predict that this variant is deleterious. However, given the lack of clinical and functional data, the significance of the p.Pro4366Ser variant is uncertain at this time.